The following is an entry in ClinVar:

NM_033026.6(PCLO):c.10630G>C (p.Asp3544His)

Gene: PCLO (piccolo presynaptic cytomatrix protein; minus strand). Cytogenetic location: 7q21.11.
Variant type: single nucleotide variant.
Coding change: c.10630G>C on transcript NM_033026.6 (MANE Select); coding-DNA position 10630, G replaced by C.
Protein change: p.Asp3544His; replaces aspartic acid 3544 with histidine.
Molecular consequence: missense variant.
Genome position (GRCh38, 1-based): chr7:82,949,958, C>G on the plus strand (G>C on the coding strand, the complement: PCLO is on the minus strand). VCF-style: chr7-82949958-C-G. GRCh37 (hg19) VCF-style: chr7-82579274-C-G.
Other names: c.10630G>C, p.Asp3544His (NM_014510.3); short protein forms D3544H.
Identifiers: ClinVar variation 1369549 (VCV001369549.7), dbSNP rs888397885, ClinGen allele CA161141411.

ClinVar aggregate classification (germline): Uncertain significance (1 of 4 stars; one submission).

Allele frequency attached by ClinVar (database versions not stated): gnomAD exomes below 0.00001; TOPMed 0.00001.
gnomAD v4.1: 1 of 1,613,570 alleles (0.000062%); no homozygotes.

Submission:

Labcorp Genetics (formerly Invitae), Labcorp
Classification: Uncertain significance. Last evaluated: 2022-10-18. Review status: criteria provided, single submitter. Criteria: Invitae Variant Classification Sherloc (09022015). Collection method: clinical testing. Allele origin: germline.
Comment: In summary, the available evidence is currently insufficient to determine the role of this variant in disease. Therefore, it has been classified as a Variant of Uncertain Significance. This sequence change replaces aspartic acid, which is acidic and polar, with histidine, which is basic and polar, at codon 3544 of the PCLO protein (p.Asp3544His). This variant is present in population databases (no rsID available, gnomAD no frequency). Algorithms developed to predict the effect of missense changes on protein structure and function are either unavailable or do not agree on the potential impact of this missense change (SIFT: "Deleterious"; PolyPhen-2: "Not Available"; Align-GVGD: "Class C0"). ClinVar contains an entry for this variant (Variation ID: 1369549). This variant has not been reported in the literature in individuals affected with PCLO-related conditions.